The following is an entry in ClinVar:

ClinVar aggregate classification (germline): Uncertain significance (1 of 4 stars; one submission).

Conditions:
Emery-Dreifuss muscular dystrophy 5, autosomal dominant (EDMD5). Also called: EMERY-DREIFUSS MUSCULAR DYSTROPHY 5. Identifiers: Orphanet 261, MedGen C2751805, MONDO:0013072, OMIM 612999.

Allele frequency attached by ClinVar (database versions not stated): gnomAD exomes 0.00001; ExAC 0.00002; gnomAD 0.00003; TOPMed 0.00003; ESP Exome Variant Server 0.00008.
gnomAD v4.1: 12 of 1,613,694 alleles (0.00074%); highest among the groups gnomAD compares: African/African-American, 0.008%; no homozygotes.

Submission:

Labcorp Genetics (formerly Invitae), Labcorp
Classification: Uncertain significance for Emery-Dreifuss muscular dystrophy 5, autosomal dominant. Last evaluated: 2023-12-19. Review status: criteria provided, single submitter. Criteria: Invitae Variant Classification Sherloc (09022015). Collection method: clinical testing. Allele origin: germline.
Comment: This sequence change falls in intron 26 of the SYNE2 gene. It does not directly change the encoded amino acid sequence of the SYNE2 protein. It affects a nucleotide within the consensus splice site. This variant is present in population databases (rs376133418, gnomAD 0.02%). This variant has not been reported in the literature in individuals affected with SYNE2-related conditions. ClinVar contains an entry for this variant (Variation ID: 2169892). Variants that disrupt the consensus splice site are a relatively common cause of aberrant splicing (PMID: 17576681, 9536098). Algorithms developed to predict the effect of sequence changes on RNA splicing suggest that this variant is not likely to affect RNA splicing. In summary, the available evidence is currently insufficient to determine the role of this variant in disease. Therefore, it has been classified as a Variant of Uncertain Significance.

Literature cited by the submitters: PubMed 17576681; PubMed 9536098.

NM_182914.3(SYNE2):c.3354-3C>T

Gene: SYNE2 (spectrin repeat containing nuclear envelope protein 2; plus strand). Cytogenetic location: 14q23.2.
Variant type: single nucleotide variant.
Coding change: c.3354-3C>T on transcript NM_182914.3 (MANE Select); 3 bases into the intron before coding-DNA position 3354, C replaced by T.
Molecular consequence: intron variant.
Genome position (GRCh38, 1-based): chr14:63,998,911, C>T. VCF-style: chr14-63998911-C-T. GRCh37 (hg19) VCF-style: chr14-64465629-C-T.
Other names: c.3354-3C>T (NM_015180.6).
Identifiers: ClinVar variation 2169892 (VCV002169892.4), dbSNP rs376133418, ClinGen allele CA7219949.